The following is an entry in ClinVar:

NM_000245.4(MET):c.2137G>C (p.Ala713Pro)

Gene: MET (MET proto-oncogene, receptor tyrosine kinase; plus strand). Cytogenetic location: 7q31.2.
Variant type: single nucleotide variant.
Coding change: c.2137G>C on transcript NM_000245.4 (MANE Select); coding-DNA position 2137, G replaced by C.
Protein change: p.Ala713Pro; replaces alanine 713 with proline.
Molecular consequence: missense variant.
Genome position (GRCh38, 1-based): chr7:116,758,493, G>C. VCF-style: chr7-116758493-G-C. GRCh37 (hg19) VCF-style: chr7-116398547-G-C.
Other names: c.2137G>C, p.Ala713Pro (NM_001127500.3, NM_001324401.3); c.847G>C, p.Ala283Pro (NM_001324402.2); short protein forms A713P, A283P.
Identifiers: ClinVar variation 5024367 (VCV005024367.1).

ClinVar aggregate classification (germline): Uncertain significance (1 of 4 stars; one submission).

Conditions:
Hereditary cancer-predisposing syndrome. Also called: Neoplastic Syndromes, Hereditary; Tumor predisposition; Hereditary neoplastic syndrome; Hereditary Cancer Syndrome. Identifiers: Orphanet 140162, MedGen C0027672, MeSH D009386, MONDO:0015356.

Submission:

Ambry Genetics
Classification: Uncertain significance for Hereditary cancer-predisposing syndrome. Last evaluated: 2026-07-06. Review status: criteria provided, single submitter. Criteria: Ambry Variant Classification Scheme 2023. Collection method: clinical testing. Allele origin: germline.
Comment: The p.A713P variant (also known as c.2137G>C), located in coding exon 8 of the MET gene, results from a G to C substitution at nucleotide position 2137. The alanine at codon 713 is replaced by proline, an amino acid with highly similar properties. This amino acid position is conserved. In addition, this alteration is predicted to be tolerated by in silico analysis. Based on the available evidence, the clinical significance of this variant remains unclear.